The following is an entry in ClinVar:

ClinVar aggregate classification (germline): Uncertain significance (1 of 4 stars; one submission).

Submission:

Labcorp Genetics (formerly Invitae), Labcorp
Classification: Uncertain significance. Last evaluated: 2021-11-26. Review status: criteria provided, single submitter. Criteria: Invitae Variant Classification Sherloc (09022015). Collection method: clinical testing. Allele origin: germline.
Comment: This sequence change replaces lysine, which is basic and polar, with arginine, which is basic and polar, at codon 1071 of the SBF1 protein (p.Lys1071Arg). This variant is not present in population databases (gnomAD no frequency). This variant has not been reported in the literature in individuals affected with SBF1-related conditions. Algorithms developed to predict the effect of missense changes on protein structure and function (SIFT, PolyPhen-2, Align-GVGD) all suggest that this variant is likely to be tolerated. Algorithms developed to predict the effect of sequence changes on RNA splicing suggest that this variant may create or strengthen a splice site. In summary, the available evidence is currently insufficient to determine the role of this variant in disease. Therefore, it has been classified as a Variant of Uncertain Significance.

NM_002972.4(SBF1):c.3212A>G (p.Lys1071Arg)

Gene: SBF1 (SET binding factor 1; minus strand). Cytogenetic location: 22q13.33.
Variant type: single nucleotide variant.
Coding change: c.3212A>G on transcript NM_002972.4 (MANE Select); coding-DNA position 3212, A replaced by G.
Protein change: p.Lys1071Arg; replaces lysine 1071 with arginine.
Molecular consequence: missense variant.
Genome position (GRCh38, 1-based): chr22:50,460,343, T>C on the plus strand (A>G on the coding strand, the complement: SBF1 is on the minus strand). VCF-style: chr22-50460343-T-C. GRCh37 (hg19) VCF-style: chr22-50898772-T-C.
Other names: c.3215A>G, p.Lys1072Arg (NM_001365819.1); short protein forms K1071R, K1072R.
Identifiers: ClinVar variation 1388362 (VCV001388362.6), dbSNP rs2148585442, ClinGen allele CA412206909.